The following is an entry in ClinVar:

ClinVar aggregate classification (germline): Uncertain significance (1 of 4 stars; one submission).

Allele frequency attached by ClinVar (database versions not stated): gnomAD 0.00001; ExAC 0.00002.
gnomAD v4.1: 7 of 1,596,972 alleles (0.00044%); highest among the groups gnomAD compares: South Asian, 0.0022%; no homozygotes.

Submission:

Labcorp Genetics (formerly Invitae), Labcorp
Classification: Uncertain significance. Last evaluated: 2023-04-03. Review status: criteria provided, single submitter. Criteria: Invitae Variant Classification Sherloc (09022015). Collection method: clinical testing. Allele origin: germline.
Comment: Advanced modeling of protein sequence and biophysical properties (such as structural, functional, and spatial information, amino acid conservation, physicochemical variation, residue mobility, and thermodynamic stability) performed at Invitae indicates that this missense variant is not expected to disrupt BRD4 protein function. In summary, the available evidence is currently insufficient to determine the role of this variant in disease. Therefore, it has been classified as a Variant of Uncertain Significance. This variant has not been reported in the literature in individuals affected with BRD4-related conditions. The frequency data for this variant in the population databases is considered unreliable, as metrics indicate poor data quality at this position in the gnomAD database. This sequence change replaces arginine, which is basic and polar, with tryptophan, which is neutral and slightly polar, at codon 1256 of the BRD4 protein (p.Arg1256Trp).

NM_001379291.1(BRD4):c.3766C>T (p.Arg1256Trp)

Gene: BRD4 (bromodomain containing 4; minus strand). Cytogenetic location: 19p13.12.
Variant type: single nucleotide variant.
Coding change: c.3766C>T on transcript NM_001379291.1 (MANE Select); coding-DNA position 3766, C replaced by T.
Protein change: p.Arg1256Trp; replaces arginine 1256 with tryptophan.
Molecular consequence: missense variant.
Genome position (GRCh38, 1-based): chr19:15,239,075, G>A on the plus strand (C>T on the coding strand, the complement: BRD4 is on the minus strand). VCF-style: chr19-15239075-G-A. GRCh37 (hg19) VCF-style: chr19-15349886-G-A.
Other names: c.3766C>T, p.Arg1256Trp (NM_058243.3); short protein forms R1256W.
Identifiers: ClinVar variation 2712176 (VCV002712176.3), dbSNP rs759358078, ClinGen allele CA9264548.